The following is an entry in ClinVar:

ClinVar aggregate classification (germline): Uncertain significance (1 of 4 stars; one submission).

Conditions:
Hereditary cancer-predisposing syndrome. Also called: Hereditary Cancer Syndrome; Neoplastic Syndromes, Hereditary; Tumor predisposition; Hereditary neoplastic syndrome. Identifiers: Orphanet 140162, MedGen C0027672, MeSH D009386, MONDO:0015356.

Submission:

Ambry Genetics
Classification: Uncertain significance for Hereditary cancer-predisposing syndrome. Last evaluated: 2022-09-27. Review status: criteria provided, single submitter. Criteria: Ambry Variant Classification Scheme 2023. Collection method: clinical testing. Allele origin: germline.
Comment: The p.E1699D variant (also known as c.5097G>T), located in coding exon 15 of the APC gene, results from a G to T substitution at nucleotide position 5097. The glutamic acid at codon 1699 is replaced by aspartic acid, an amino acid with highly similar properties. This amino acid position is conserved. In addition, in silico predictors for this gene do not accurately predict pathogenicity. Since supporting evidence is limited at this time, the clinical significance of this alteration remains unclear.

NM_000038.6(APC):c.5097G>T (p.Glu1699Asp)

Gene: APC (APC regulator of Wnt signaling pathway; plus strand). Cytogenetic location: 5q22.2.
Variant type: single nucleotide variant.
Coding change: c.5097G>T on transcript NM_000038.6 (MANE Select); coding-DNA position 5097, G replaced by T.
Protein change: p.Glu1699Asp; replaces glutamic acid 1699 with aspartic acid.
Molecular consequence: missense variant.
Genome position (GRCh38, 1-based): chr5:112,840,691, G>T. VCF-style: chr5-112840691-G-T. GRCh37 (hg19) VCF-style: chr5-112176388-G-T.
Other names: c.5097G>T, p.Glu1699Asp (NM_001127510.3, NM_001354895.2, NM_001407450.1); c.5043G>T, p.Glu1681Asp (NM_001127511.3); c.5151G>T, p.Glu1717Asp (NM_001354896.2, NM_001407447.1, NM_001407448.1 and 1 more transcripts); c.5127G>T, p.Glu1709Asp (NM_001354897.2); c.5022G>T, p.Glu1674Asp (NM_001354898.2); c.5013G>T, p.Glu1671Asp (NM_001354899.2); c.4974G>T, p.Glu1658Asp (NM_001354900.2); c.4920G>T, p.Glu1640Asp (NM_001354901.2, NM_001407453.1); and 11 more; short protein forms E1315D, E1681D, E1727D, E1539D, E1573D, E1640D, E1658D, E1674D.
Identifiers: ClinVar variation 1745303 (VCV001745303.2), dbSNP rs1561597648, ClinGen allele CA16032476.